The following is an entry in ClinVar:

NM_182961.4(SYNE1):c.21952G>A (p.Ala7318Thr)

Gene: SYNE1 (spectrin repeat containing nuclear envelope protein 1; minus strand). Cytogenetic location: 6q25.2.
Variant type: single nucleotide variant.
Coding change: c.21952G>A on transcript NM_182961.4 (MANE Select); coding-DNA position 21952, G replaced by A.
Protein change: p.Ala7318Thr; replaces alanine 7318 with threonine.
Molecular consequence: missense variant.
Genome position (GRCh38, 1-based): chr6:152,219,095, C>T on the plus strand (G>A on the coding strand, the complement: SYNE1 is on the minus strand). VCF-style: chr6-152219095-C-T. GRCh37 (hg19) VCF-style: chr6-152540230-C-T.
Other names: c.21739G>A, p.Ala7247Thr (NM_033071.5); short protein forms A7247T, A7318T.
Identifiers: ClinVar variation 284257 (VCV000284257.21), dbSNP rs145494541, ClinGen allele CA4054011.
Genomic context (GRCh38, chr6:152,219,095, plus strand): 5'-GCTCCAGGGCACACAAGTGTTGACTCAAAGAGAGTTGATCCGATTGAATAGCTGATGCTG[C>T]GGAAGCATCCACTTGTTGCTTCAGTTGCTCTCCCAGCTCATGGAGAAAAAAGAGGGAATC-3'
Protein context (NP_892006.3, residues 7308-7328): EQLKQQVDAS[Ala7318Thr]ASAIQSDQLS

ClinVar aggregate classification (germline): Conflicting classifications of pathogenicity. Review status: criteria provided, conflicting classifications (1 of 4 stars). 7 submissions from 6 submitters: Uncertain significance (6); Likely benign (1). Last evaluated 2025-04-24.

Conditions:
Autosomal recessive ataxia, Beauce type. Also called: Spinocerebellar ataxia, autosomal recessive 8; ATAXIA, RECESSIVE, OF BEAUCE; SYNE1-Related Autosomal Recessive Cerebellar Ataxia; SYNE1 Deficiency. Identifiers: Orphanet 88644, MedGen C1853116, MONDO:0012549, OMIM 610743.
Emery-Dreifuss muscular dystrophy 4, autosomal dominant (EDMD4). Also called: EMERY-DREIFUSS MUSCULAR DYSTROPHY 4 WITH VARIABLE FEATURES. Identifiers: Orphanet 261, MedGen C2751807, MONDO:0013071, OMIM 612998.

Allele frequency attached by ClinVar (database versions not stated): ESP Exome Variant Server 0.00008; TOPMed 0.00008; gnomAD 0.00009; ExAC 0.00011; gnomAD exomes 0.00014; 1000 Genomes Project 30x 0.00016; 1000 Genomes Project 0.00020.
gnomAD v4.1: 122 of 1,614,122 alleles (0.0076%); highest among the groups gnomAD compares: Middle Eastern, 0.12%; no homozygotes.

Submissions (7):

GeneDx
Classification: Uncertain significance. Last evaluated: 2025-04-24. Review status: criteria provided, single submitter. Criteria: GeneDx Variant Classification Process June 2021. Collection method: clinical testing. Allele origin: germline. Affected: yes.
Comment: In silico analysis supports that this missense variant does not alter protein structure/function; Has not been previously published as pathogenic or benign to our knowledge

Athena Diagnostics
Classification: Uncertain significance. Last evaluated: 2025-03-13. Review status: criteria provided, single submitter. Criteria: Athena Diagnostics Criteria. Collection method: clinical testing. Allele origin: unknown.
Comment: Available data are insufficient to determine the clinical significance of the variant at this time. The frequency of this variant in the general population is uninformative in assessment of its pathogenicity. This variant has been seen where an alternate explanation for disease was also identified, suggesting this variant may not cause disease. Polyphen and MutationTaster yielded discordant predictions regarding whether this amino acid change is damaging to the protein.

Labcorp Genetics (formerly Invitae), Labcorp
Classification: Uncertain significance for Emery-Dreifuss muscular dystrophy 4, autosomal dominant; Autosomal recessive ataxia, Beauce type. Last evaluated: 2022-08-22. Review status: criteria provided, single submitter. Criteria: Invitae Variant Classification Sherloc (09022015). Collection method: clinical testing. Allele origin: germline.
Comment: This sequence change replaces alanine, which is neutral and non-polar, with threonine, which is neutral and polar, at codon 7247 of the SYNE1 protein (p.Ala7247Thr). This variant is present in population databases (rs145494541, gnomAD 0.03%). This variant has not been reported in the literature in individuals affected with SYNE1-related conditions. ClinVar contains an entry for this variant (Variation ID: 284257). Algorithms developed to predict the effect of missense changes on protein structure and function (SIFT, PolyPhen-2, Align-GVGD) all suggest that this variant is likely to be disruptive. In summary, the available evidence is currently insufficient to determine the role of this variant in disease. Therefore, it has been classified as a Variant of Uncertain Significance.

Revvity Omics, Revvity
Classification: Uncertain significance. Last evaluated: 2021-01-25. Review status: criteria provided, single submitter. Criteria: ACMG Guidelines, 2015. Collection method: clinical testing. Allele origin: germline.

Illumina Laboratory Services, Illumina
Classification: Uncertain significance for Autosomal recessive ataxia, Beauce type. Last evaluated: 2018-01-12. Review status: criteria provided, single submitter. Criteria: ICSL Variant Classification Criteria 13 December 2019. Collection method: clinical testing. Allele origin: germline.

Illumina Laboratory Services, Illumina
Classification: Likely benign for Emery-Dreifuss muscular dystrophy 4, autosomal dominant. Last evaluated: 2018-01-12. Review status: criteria provided, single submitter. Criteria: ICSL Variant Classification Criteria 13 December 2019. Collection method: clinical testing. Allele origin: germline.
Comment: This variant was observed in the ICSL laboratory as part of a predisposition screen in an ostensibly healthy population. It had not been previously curated by ICSL or reported in the Human Gene Mutation Database (HGMD: prior to June 1st, 2018), and was therefore a candidate for classification through an automated scoring system. Utilizing variant allele frequency, disease prevalence and penetrance estimates, and inheritance mode, an automated score was calculated to assess if this variant is too frequent to cause the disease. Based on the score and internal cut-off values, a variant classified as likely benign is not then subjected to further curation. The score for this variant resulted in a classification of likely benign for this disease.

Eurofins Ntd Llc (ga)
Classification: Uncertain significance. Last evaluated: 2015-11-03. Review status: criteria provided, single submitter. Criteria: EGL Classification Definitions 2015. Collection method: clinical testing. Allele origin: germline. Observed: 2 variant alleles, 2 heterozygotes.

Literature cited by the submitters: PubMed 38473809 (cited by Athena Diagnostics); PubMed 27305979 (cited by Athena Diagnostics).